The following is an entry in ClinVar:

ClinVar aggregate classification (germline): Uncertain significance. Review status: criteria provided, multiple submitters, no conflicts (2 of 4 stars). 2 submissions from 2 submitters: Uncertain significance (2). Last evaluated 2025-01-20.

Conditions:
Inborn genetic diseases. Identifiers: MedGen C0950123, MeSH D030342.

Allele frequency attached by ClinVar (database versions not stated): gnomAD exomes below 0.00001; ExAC 0.00001.
gnomAD v4.1: 5 of 1,614,156 alleles (0.00031%); highest among the groups gnomAD compares: Non-Finnish European, 0.00025%; no homozygotes.

Submissions (2):

Ambry Genetics
Classification: Uncertain significance for Inborn genetic diseases. Last evaluated: 2025-01-20. Review status: criteria provided, single submitter. Criteria: Ambry Variant Classification Scheme 2023. Collection method: clinical testing. Allele origin: germline.

Labcorp Genetics (formerly Invitae), Labcorp
Classification: Uncertain significance. Last evaluated: 2023-10-05. Review status: criteria provided, single submitter. Criteria: Invitae Variant Classification Sherloc (09022015). Collection method: clinical testing. Allele origin: germline.
Comment: This sequence change replaces glutamic acid, which is acidic and polar, with lysine, which is basic and polar, at codon 1216 of the SETBP1 protein (p.Glu1216Lys). This variant is present in population databases (rs768081411, gnomAD 0.0009%). This variant has not been reported in the literature in individuals affected with SETBP1-related conditions. ClinVar contains an entry for this variant (Variation ID: 2154221). Advanced modeling of protein sequence and biophysical properties (such as structural, functional, and spatial information, amino acid conservation, physicochemical variation, residue mobility, and thermodynamic stability) has been performed at Invitae for this missense variant, however the output from this modeling did not meet the statistical confidence thresholds required to predict the impact of this variant on SETBP1 protein function. In summary, the available evidence is currently insufficient to determine the role of this variant in disease. Therefore, it has been classified as a Variant of Uncertain Significance.

NM_015559.3(SETBP1):c.3646G>A (p.Glu1216Lys)

Gene: SETBP1 (SET binding protein 1; plus strand). Cytogenetic location: 18q12.3.
Variant type: single nucleotide variant.
Coding change: c.3646G>A on transcript NM_015559.3 (MANE Select); coding-DNA position 3646, G replaced by A.
Protein change: p.Glu1216Lys; replaces glutamic acid 1216 with lysine.
Molecular consequence: missense variant.
Genome position (GRCh38, 1-based): chr18:44,952,986, G>A. VCF-style: chr18-44952986-G-A. GRCh37 (hg19) VCF-style: chr18-42532951-G-A.
Other names: c.3646G>A, p.Glu1216Lys (NM_001379141.1, NM_001379142.1, NM_001410862.1); c.3646G>A (NM_015559.2); short protein forms E1216K.
Identifiers: ClinVar variation 2154221 (VCV002154221.5), dbSNP rs768081411, ClinGen allele CA8945951.